The following is an entry in ClinVar:

NM_001024630.4(RUNX2):c.838C>G (p.Gln280Glu)

Gene: RUNX2 (RUNX family transcription factor 2; plus strand). Cytogenetic location: 6p21.1.
Variant type: single nucleotide variant.
Coding change: c.838C>G on transcript NM_001024630.4 (MANE Select); coding-DNA position 838, C replaced by G.
Protein change: p.Gln280Glu; replaces glutamine 280 with glutamic acid.
Molecular consequence: missense variant.
Genome position (GRCh38, 1-based): chr6:45,492,093, C>G. VCF-style: chr6-45492093-C-G. GRCh37 (hg19) VCF-style: chr6-45459830-C-G.
Other names: c.838C>G, p.Gln280Glu (NM_001015051.4); c.796C>G, p.Gln266Glu (NM_001278478.2, NM_001369405.1); short protein forms Q280E, Q266E.
Identifiers: ClinVar variation 4706462 (VCV004706462.1).
Genomic context (GRCh38, chr6:45,492,093, plus strand): 5'-GGTGTCCCGCCTCAGAACCCACGGCCCTCCCTGAACTCTGCACCAAGTCCTTTTAATCCA[C>G]AAGGACAGAGTCAGATTACAGGTAAGACAGACTCATAGGTTTCACTTGCATAGACGCTGG-3'
Protein context (NP_001019801.3, residues 270-290): LNSAPSPFNP[Gln280Glu]GQSQITDPRQ

ClinVar aggregate classification (germline): Uncertain significance (1 of 4 stars; one submission).

gnomAD v4.1: 11 of 1,613,714 alleles (0.00068%); highest among the groups gnomAD compares: Non-Finnish European, 0.00076%; no homozygotes.

Submission:

Labcorp Genetics (formerly Invitae), Labcorp
Classification: Uncertain significance. Last evaluated: 2025-08-07. Review status: criteria provided, single submitter. Criteria: Invitae Variant Classification Sherloc (09022015). Collection method: clinical testing. Allele origin: germline.
Comment: This sequence change replaces glutamine, which is neutral and polar, with glutamic acid, which is acidic and polar, at codon 280 of the RUNX2 protein (p.Gln280Glu). This variant is not present in population databases (gnomAD no frequency). This variant has not been reported in the literature in individuals affected with RUNX2-related conditions. Invitae Evidence Modeling of protein sequence and biophysical properties (such as structural, functional, and spatial information, amino acid conservation, physicochemical variation, residue mobility, and thermodynamic stability) indicates that this missense variant is not expected to disrupt RUNX2 protein function with a negative predictive value of 80%. In summary, the available evidence is currently insufficient to determine the role of this variant in disease. Therefore, it has been classified as a Variant of Uncertain Significance.